The following is an entry in ClinVar:

ClinVar aggregate classification (germline): Uncertain significance (1 of 4 stars; one submission).

Submission:

Labcorp Genetics (formerly Invitae), Labcorp
Classification: Uncertain significance. Last evaluated: 2019-11-09. Review status: criteria provided, single submitter. Criteria: Invitae Variant Classification Sherloc (09022015). Collection method: clinical testing. Allele origin: germline.
Comment: This sequence change falls in intron 27 of the COL4A3 gene. It does not directly change the encoded amino acid sequence of the COL4A3 protein, but it affects a nucleotide within the consensus splice site of the intron. This variant is not present in population databases (ExAC no frequency). This variant has not been reported in the literature in individuals with COL4A3-related conditions. Nucleotide substitutions within the consensus splice site are a relatively common cause of aberrant splicing (PMID: 17576681, 9536098). Algorithms developed to predict the effect of sequence changes on RNA splicing suggest that this variant may create or strengthen a splice site, but this prediction has not been confirmed by published transcriptional studies. In summary, the available evidence is currently insufficient to determine the role of this variant in disease. Therefore, it has been classified as a Variant of Uncertain Significance.

Literature cited by the submitters: PubMed 17576681; PubMed 9536098.

NM_000091.5(COL4A3):c.2021-3A>C

Genes: COL4A3 (collagen type IV alpha 3 chain; plus strand), MFF-DT (MFF divergent transcript; minus strand). Cytogenetic location: 2q36.3.
Variant type: single nucleotide variant.
Coding change: c.2021-3A>C on transcript NM_000091.5 (MANE Select); 3 bases into the intron before coding-DNA position 2021, A replaced by C.
Molecular consequence: intron variant.
Genome position (GRCh38, 1-based): chr2:227,277,446, A>C. VCF-style: chr2-227277446-A-C. GRCh37 (hg19) VCF-style: chr2-228142162-A-C.
Identifiers: ClinVar variation 2188004 (VCV002188004.1), dbSNP rs2469731458, ClinGen allele CA2580065989.